The following is an entry in ClinVar:

ClinVar aggregate classification (germline): Uncertain significance (1 of 4 stars; one submission).

Conditions:
Neuropathy, hereditary sensory and autonomic, type 2A (HSAN2A). Also called: NEUROPATHY, HEREDITARY SENSORY RADICULAR, AUTOSOMAL RECESSIVE; NEUROPATHY, HEREDITARY SENSORY, TYPE IIA; NEUROPATHY, PROGRESSIVE SENSORY, OF CHILDREN; WNK1-Related HSAN2 (HSAN2A); ACROOSTEOLYSIS, GIACCAI TYPE; ACROOSTEOLYSIS, NEUROGENIC. Identifiers: Orphanet 970, MedGen C2752089, MONDO:0024309, OMIM 201300.
Generalized epilepsy with febrile seizures plus, type 7 (GEFSP7). Also called: GEFS+, TYPE 7. Identifiers: Orphanet 36387, MedGen C2751778, MONDO:0013470, OMIM 613863.

Submission:

Labcorp Genetics (formerly Invitae), Labcorp
Classification: Uncertain significance for Neuropathy, hereditary sensory and autonomic, type 2A; Generalized epilepsy with febrile seizures plus, type 7. Last evaluated: 2024-02-22. Review status: criteria provided, single submitter. Criteria: Invitae Variant Classification Sherloc (09022015). Collection method: clinical testing. Allele origin: germline.
Comment: This sequence change replaces phenylalanine, which is neutral and non-polar, with leucine, which is neutral and non-polar, at codon 183 of the SCN9A protein (p.Phe183Leu). This variant is not present in population databases (gnomAD no frequency). This variant has not been reported in the literature in individuals affected with SCN9A-related conditions. Advanced modeling of protein sequence and biophysical properties (such as structural, functional, and spatial information, amino acid conservation, physicochemical variation, residue mobility, and thermodynamic stability) performed at Invitae indicates that this missense variant is not expected to disrupt SCN9A protein function with a negative predictive value of 80%. In summary, the available evidence is currently insufficient to determine the role of this variant in disease. Therefore, it has been classified as a Variant of Uncertain Significance.

NM_001365536.1(SCN9A):c.547T>C (p.Phe183Leu)

Gene: SCN9A (sodium voltage-gated channel alpha subunit 9; minus strand). Cytogenetic location: 2q24.3.
Variant type: single nucleotide variant.
Coding change: c.547T>C on transcript NM_001365536.1 (MANE Select); coding-DNA position 547, T replaced by C.
Protein change: p.Phe183Leu; replaces phenylalanine 183 with leucine.
Molecular consequence: missense variant.
Genome position (GRCh38, 1-based): chr2:166,305,841, A>G on the plus strand (T>C on the coding strand, the complement: SCN9A is on the minus strand). VCF-style: chr2-166305841-A-G. GRCh37 (hg19) VCF-style: chr2-167162351-A-G.
Other names: c.547T>C, p.Phe183Leu (NM_002977.4); short protein forms F183L.
Identifiers: ClinVar variation 3763751 (VCV003763751.2).